The following is an entry in ClinVar:

NM_018834.6(MATR3):c.647G>C (p.Arg216Thr)

Gene: MATR3 (matrin 3; plus strand). Cytogenetic location: 5q31.2.
Variant type: single nucleotide variant.
Coding change: c.647G>C on transcript NM_018834.6 (MANE Select); coding-DNA position 647, G replaced by C.
Protein change: p.Arg216Thr; replaces arginine 216 with threonine.
Molecular consequence: missense variant. On other transcripts: intron variant (11).
Genome position (GRCh38, 1-based): chr5:139,308,062, G>C. VCF-style: chr5-139308062-G-C. GRCh37 (hg19) VCF-style: chr5-138643751-G-C.
Other names: c.647G>C, p.Arg216Thr (NM_001194954.2, NM_001194955.2, NM_001400441.1 and 16 more transcripts); c.52-6613G>C (NM_001400459.1); c.-102-6613G>C (NM_001400463.1, NM_001400460.1, NM_001282278.2 and 3 more transcripts); c.-40-7635G>C (NM_001400462.1, NM_001400467.1); c.13-6613G>C (NM_001400461.1); c.49-6613G>C (NM_001194956.2); short protein forms R216T.
Identifiers: ClinVar variation 3615469 (VCV003615469.2).

ClinVar aggregate classification (germline): Uncertain significance (1 of 4 stars; one submission).

Conditions:
Amyotrophic lateral sclerosis type 21. Also called: MYOPATHY, DISTAL, 2; VOCAL CORD AND PHARYNGEAL DYSFUNCTION WITH DISTAL MYOPATHY. Identifiers: Orphanet 600, Orphanet 803, MedGen C3807521, MONDO:0011632, OMIM 606070.

gnomAD v4.1: 5 of 1,614,162 alleles (0.00031%); highest among the groups gnomAD compares: Non-Finnish European, 0.00042%; no homozygotes.

Submission:

Labcorp Genetics (formerly Invitae), Labcorp
Classification: Uncertain significance for Amyotrophic lateral sclerosis type 21. Last evaluated: 2024-04-13. Review status: criteria provided, single submitter. Criteria: Invitae Variant Classification Sherloc (09022015). Collection method: clinical testing. Allele origin: germline.
Comment: This sequence change replaces arginine, which is basic and polar, with threonine, which is neutral and polar, at codon 216 of the MATR3 protein (p.Arg216Thr). This variant is not present in population databases (gnomAD no frequency). This variant has not been reported in the literature in individuals affected with MATR3-related conditions. Advanced modeling of protein sequence and biophysical properties (such as structural, functional, and spatial information, amino acid conservation, physicochemical variation, residue mobility, and thermodynamic stability) performed at Invitae indicates that this missense variant is expected to disrupt MATR3 protein function with a positive predictive value of 80%. In summary, the available evidence is currently insufficient to determine the role of this variant in disease. Therefore, it has been classified as a Variant of Uncertain Significance.